The following is an entry in ClinVar:

ClinVar aggregate classification (germline): Likely benign (1 of 4 stars; one submission).

gnomAD v4.1: 10 of 1,594,150 alleles (0.00063%); highest among the groups gnomAD compares: South Asian, 0.0011%; no homozygotes.

Submission:

CeGaT Center for Human Genetics Tuebingen
Classification: Likely benign. Last evaluated: 2026-06-01. Review status: criteria provided, single submitter. Criteria: CeGaT Center For Human Genetics Tuebingen Variant Classification Criteria Version 2. Collection method: clinical testing. Allele origin: germline. Affected: yes. Observed: 1 variant allele.
Comment: FGFRL1: BP4, BP7

NM_001004356.3(FGFRL1):c.177G>A (p.Pro59=)

Gene: FGFRL1 (fibroblast growth factor receptor like 1; plus strand). Cytogenetic location: 4p16.3.
Variant type: single nucleotide variant.
Coding change: c.177G>A on transcript NM_001004356.3 (MANE Select); coding-DNA position 177, G replaced by A.
Protein change: p.Pro59=; no amino-acid change (proline 59 retained).
Molecular consequence: synonymous variant.
Genome position (GRCh38, 1-based): chr4:1,022,300, G>A. VCF-style: chr4-1022300-G-A. GRCh37 (hg19) VCF-style: chr4-1016088-G-A.
Other names: c.177G>A, p.Pro59= (NM_001004358.1, NM_001370296.1, NM_021923.3).
Identifiers: ClinVar variation 4872884 (VCV004872884.2).